The following is an entry in ClinVar:

ClinVar aggregate classification (germline): Uncertain significance (1 of 4 stars; one submission).

Submission:

Women's Health and Genetics/Laboratory Corporation of America, LabCorp
Classification: Uncertain significance. Last evaluated: 2025-03-13. Review status: criteria provided, single submitter. Criteria: LabCorp Variant Classification Summary - May 2015. Collection method: clinical testing. Allele origin: germline.
Comment: Variant summary: SMARCA2 c.3361A>C (p.Ile1121Leu) results in a conservative amino acid change in the encoded protein sequence. Four of five in-silico tools predict a benign effect of the variant on protein function. The variant was absent in 250848 control chromosomes (gnomAD). The available data on variant occurrences in the general population are insufficient to allow any conclusion about variant significance. To our knowledge, no occurrence of c.3361A>C in individuals affected with SMARCA2-Related Disorders and no experimental evidence demonstrating its impact on protein function have been reported. No submitters have cited clinical-significance assessments for this variant to ClinVar. Based on the evidence outlined above, the variant was classified as uncertain significance.

NM_003070.5(SMARCA2):c.3361A>C (p.Ile1121Leu)

Gene: SMARCA2 (SWI/SNF related BAF chromatin remodeling complex subunit ATPase 2; plus strand). Cytogenetic location: 9p24.3.
Variant type: single nucleotide variant.
Coding change: c.3361A>C on transcript NM_003070.5 (MANE Select); coding-DNA position 3361, A replaced by C.
Protein change: p.Ile1121Leu; replaces isoleucine 1121 with leucine.
Molecular consequence: missense variant.
Genome position (GRCh38, 1-based): chr9:2,110,322, A>C. VCF-style: chr9-2110322-A-C. GRCh37 (hg19) VCF-style: chr9-2110322-A-C.
Other names: c.3361A>C, p.Ile1121Leu (NM_001289396.2, NM_139045.4); c.3187A>C, p.Ile1063Leu (NM_001289397.2); short protein forms I1063L, I1121L.
Identifiers: ClinVar variation 3895670 (VCV003895670.1).